The following is an entry in ClinVar:

ClinVar aggregate classification (germline): Uncertain significance (1 of 4 stars; one submission).

Allele frequency attached by ClinVar (database versions not stated): TOPMed below 0.00001; gnomAD 0.00002.
gnomAD v4.1: 3 of 1,597,586 alleles (0.00019%); highest among the groups gnomAD compares: African/African-American, 0.0041%; no homozygotes.

Submission:

Labcorp Genetics (formerly Invitae), Labcorp
Classification: Uncertain significance. Last evaluated: 2022-09-01. Review status: criteria provided, single submitter. Criteria: Invitae Variant Classification Sherloc (09022015). Collection method: clinical testing. Allele origin: germline.
Comment: In summary, the available evidence is currently insufficient to determine the role of this variant in disease. Therefore, it has been classified as a Variant of Uncertain Significance. Algorithms developed to predict the effect of missense changes on protein structure and function (SIFT, PolyPhen-2, Align-GVGD) all suggest that this variant is likely to be tolerated. This variant has not been reported in the literature in individuals affected with TMTC3-related conditions. This variant is not present in population databases (gnomAD no frequency). This sequence change replaces isoleucine, which is neutral and non-polar, with valine, which is neutral and non-polar, at codon 396 of the TMTC3 protein (p.Ile396Val).

NM_181783.4(TMTC3):c.1186A>G (p.Ile396Val)

Gene: TMTC3 (transmembrane O-mannosyltransferase targeting cadherins 3; plus strand). Cytogenetic location: 12q21.32.
Variant type: single nucleotide variant.
Coding change: c.1186A>G on transcript NM_181783.4 (MANE Select); coding-DNA position 1186, A replaced by G.
Protein change: p.Ile396Val; replaces isoleucine 396 with valine.
Molecular consequence: missense variant. On other transcripts: non-coding transcript variant (1).
Genome position (GRCh38, 1-based): chr12:88,172,732, A>G. VCF-style: chr12-88172732-A-G. GRCh37 (hg19) VCF-style: chr12-88566509-A-G.
Other names: c.1006A>G, p.Ile336Val (NM_001366574.1); c.967A>G, p.Ile323Val (NM_001366579.1); c.919A>G, p.Ile307Val (NM_001366580.1); c.493A>G, p.Ile165Val (NM_001366583.1); short protein forms I165V, I323V, I396V, I307V, I336V.
Identifiers: ClinVar variation 1908968 (VCV001908968.5), dbSNP rs2041219148, ClinGen allele CA386114501.